The following is an entry in ClinVar:

NM_001999.4(FBN2):c.910C>T (p.Pro304Ser)

Gene: FBN2 (fibrillin 2; minus strand). Cytogenetic location: 5q23.3.
Variant type: single nucleotide variant.
Coding change: c.910C>T on transcript NM_001999.4 (MANE Select); coding-DNA position 910, C replaced by T.
Protein change: p.Pro304Ser; replaces proline 304 with serine.
Molecular consequence: missense variant.
Genome position (GRCh38, 1-based): chr5:128,446,523, G>A on the plus strand (C>T on the coding strand, the complement: FBN2 is on the minus strand). VCF-style: chr5-128446523-G-A. GRCh37 (hg19) VCF-style: chr5-127782216-G-A.
Other names: short protein forms P304S.
Identifiers: ClinVar variation 4747853 (VCV004747853.1).

ClinVar aggregate classification (germline): Uncertain significance (1 of 4 stars; one submission).

Conditions:
Congenital contractural arachnodactyly (CCA). Also called: BEALS SYNDROME; Arthrogryposis, distal, type 9; Beals-Hecht syndrome. Identifiers: Orphanet 115, MedGen C0220668, MONDO:0007363, OMIM 121050.

Submission:

Labcorp Genetics (formerly Invitae), Labcorp
Classification: Uncertain significance for Congenital contractural arachnodactyly. Last evaluated: 2026-01-27. Review status: criteria provided, single submitter. Criteria: Invitae Variant Classification Sherloc (09022015). Collection method: clinical testing. Allele origin: germline.
Comment: This sequence change replaces proline, which is neutral and non-polar, with serine, which is neutral and polar, at codon 304 of the FBN2 protein (p.Pro304Ser). This variant is present in population databases (rs184727195, gnomAD 0.003%). This variant has not been reported in the literature in individuals affected with FBN2-related conditions. Invitae Evidence Modeling of protein sequence and biophysical properties (such as structural, functional, and spatial information, amino acid conservation, physicochemical variation, residue mobility, and thermodynamic stability) indicates that this missense variant is not expected to disrupt FBN2 protein function with a negative predictive value of 80%. In summary, the available evidence is currently insufficient to determine the role of this variant in disease. Therefore, it has been classified as a Variant of Uncertain Significance.